The following is an entry in ClinVar:

NM_002691.4(POLD1):c.3275A>C (p.Gln1092Pro)

Gene: POLD1 (DNA polymerase delta 1, catalytic subunit; plus strand). Cytogenetic location: 19q13.33.
Variant type: single nucleotide variant.
Coding change: c.3275A>C on transcript NM_002691.4 (MANE Select); coding-DNA position 3275, A replaced by C.
Protein change: p.Gln1092Pro; replaces glutamine 1092 with proline.
Molecular consequence: missense variant. On other transcripts: non-coding transcript variant (1).
Genome position (GRCh38, 1-based): chr19:50,417,898, A>C. VCF-style: chr19-50417898-A-C. GRCh37 (hg19) VCF-style: chr19-50921155-A-C.
Other names: c.3275A>C, p.Gln1092Pro (NM_001256849.1, NM_001438212.1, NM_001438213.1); c.3353A>C, p.Gln1118Pro (NM_001308632.1); c.3203A>C, p.Gln1068Pro (NM_001438210.1, NM_001438211.1); short protein forms Q1092P, Q1068P, Q1118P.
Identifiers: ClinVar variation 4744711 (VCV004744711.1).
Genomic context (GRCh38, chr19:50,417,898, plus strand): 5'-GCAGCCGGGACTGCCCCATCTTCTACATGCGCAAGAAGGTGCGGAAGGACCTGGAAGACC[A>C]GGAGCAGCTCCTGCGGCGCTTCGGACCCCCTGGACCTGAGGCCTGGTGACCTTGCAAGCA-3'
Protein context (NP_002682.2, residues 1082-1102): RKKVRKDLED[Gln1092Pro]EQLLRRFGPP

ClinVar aggregate classification (germline): Uncertain significance (1 of 4 stars; one submission).

Conditions:
POLD1-related polyposis and colorectal cancer syndrome (CRCS10). Also called: COLORECTAL CANCER, SUSCEPTIBILITY TO, ON CHROMOSOME 19q; Colorectal cancer 10; Colorectal cancer, susceptibility to, 10. Identifiers: Orphanet 220460, MedGen C2675481, MONDO:0012953, OMIM 612591.

Submission:

Labcorp Genetics (formerly Invitae), Labcorp
Classification: Uncertain significance for POLD1-related polyposis and colorectal cancer syndrome. Last evaluated: 2025-05-17. Review status: criteria provided, single submitter. Criteria: Invitae Variant Classification Sherloc (09022015). Collection method: clinical testing. Allele origin: germline.
Comment: This sequence change replaces glutamine, which is neutral and polar, with proline, which is neutral and non-polar, at codon 1092 of the POLD1 protein (p.Gln1092Pro). This variant is not present in population databases (gnomAD no frequency). This variant has not been reported in the literature in individuals affected with POLD1-related conditions. Invitae Evidence Modeling of protein sequence and biophysical properties (such as structural, functional, and spatial information, amino acid conservation, physicochemical variation, residue mobility, and thermodynamic stability) has been performed for this missense variant. However, the output from this modeling did not meet the statistical confidence thresholds required to predict the impact of this variant on POLD1 protein function. In summary, the available evidence is currently insufficient to determine the role of this variant in disease. Therefore, it has been classified as a Variant of Uncertain Significance.